The following is an entry in ClinVar:

NM_001379291.1(BRD4):c.3222A>C (p.Ser1074=)

Gene: BRD4 (bromodomain containing 4; minus strand). Cytogenetic location: 19p13.12.
Variant type: single nucleotide variant.
Coding change: c.3222A>C on transcript NM_001379291.1 (MANE Select); coding-DNA position 3222, A replaced by C.
Protein change: p.Ser1074=; no amino-acid change (serine 1074 retained).
Molecular consequence: synonymous variant.
Genome position (GRCh38, 1-based): chr19:15,239,970, T>G on the plus strand (A>C on the coding strand, the complement: BRD4 is on the minus strand). VCF-style: chr19-15239970-T-G. GRCh37 (hg19) VCF-style: chr19-15350781-T-G.
Other names: c.3222A>C, p.Ser1074= (NM_058243.3).
Identifiers: ClinVar variation 2157124 (VCV002157124.11), dbSNP rs144097229, ClinGen allele CA9264750.
Genomic context (GRCh38, chr19:15,239,970, plus strand): 5'-CTGTTTCTTAGGCTGGACGTTTTGCTGGGGTGGAGACTGGTGGGTCAGGCTCTGGAACTG[T>G]GACATCTGGGGGGAATGTATCATAAGCGGGGAGGGGGCTTCGCGGAGGTGACCTAGGAGA-3'
Protein context (NP_001366220.1, residues 1064-1084): SPLMIHSPQM[Ser1074=]QFQSLTHQSP

ClinVar aggregate classification (germline): Likely benign. Review status: criteria provided, multiple submitters, no conflicts (2 of 4 stars). 2 submissions from 2 submitters: Likely benign (2). Last evaluated 2025-10-13.

Allele frequency attached by ClinVar (database versions not stated): ESP Exome Variant Server 0.00008; ExAC 0.00012; gnomAD 0.00012; TOPMed 0.00014.
gnomAD v4.1: 393 of 1,613,076 alleles (0.024%); highest among the groups gnomAD compares: Non-Finnish European, 0.032%; no homozygotes.

Submissions (2):

Labcorp Genetics (formerly Invitae), Labcorp
Classification: Likely benign. Last evaluated: 2025-10-13. Review status: criteria provided, single submitter. Criteria: Invitae Variant Classification Sherloc (09022015). Collection method: clinical testing. Allele origin: germline.

CeGaT Center for Human Genetics Tuebingen
Classification: Likely benign. Last evaluated: 2025-04-01. Review status: criteria provided, single submitter. Criteria: CeGaT Center For Human Genetics Tuebingen Variant Classification Criteria Version 2. Collection method: clinical testing. Allele origin: germline. Affected: yes. Observed: 1 variant allele.
Comment: BRD4: BP4, BP7